The following is an entry in ClinVar:

NM_138691.3(TMC1):c.1331G>A (p.Gly444Glu)

Gene: TMC1 (transmembrane channel like 1; plus strand). Cytogenetic location: 9q21.13.
Variant type: single nucleotide variant.
Coding change: c.1331G>A on transcript NM_138691.3 (MANE Select); coding-DNA position 1331, G replaced by A.
Protein change: p.Gly444Glu; replaces glycine 444 with glutamic acid.
Molecular consequence: missense variant.
Genome position (GRCh38, 1-based): chr9:72,791,992, G>A. VCF-style: chr9-72791992-G-A. GRCh37 (hg19) VCF-style: chr9-75406908-G-A.
Other names: short protein forms G444E.
Identifiers: ClinVar variation 3767331 (VCV003767331.1).

ClinVar aggregate classification (germline): Pathogenic (1 of 4 stars; one submission).

Conditions:
Autosomal recessive nonsyndromic hearing loss 7. Also called: DEAFNESS, AUTOSOMAL RECESSIVE 11. Identifiers: Orphanet 90636, MedGen C1832978, MONDO:0010967, OMIM 600974.

Submission:

Wonkam Laboratory, Johns Hopkins University
Classification: Pathogenic for Autosomal recessive nonsyndromic hearing loss 7. Last evaluated: 2024-01-06. Review status: criteria provided, single submitter. Criteria: ACMG Guidelines, 2015. Collection method: research. Allele origin: germline. Inheritance: Autosomal recessive inheritance. Affected: yes. Observed: 2 variant alleles.
Comment: This variant TMC1 c.1331G>A (NM_138691.2) (PM1) is absent from controls (or at extremely low frequency if recessive) in Exome Sequencing Project, 1000 Genomes Project, or Exome Aggregation Consortium (PM2), Cosegregation with disease in multiple affected family members in a gene definitively known to cause the disease (PP1), Patient's phenotype or family history is highly specific for a disease with a single genetic etiology (PP4)